The following is an entry in ClinVar:

NM_012301.4(MAGI2):c.538+94G>A

Gene: MAGI2 (membrane associated guanylate kinase, WW and PDZ domain containing 2; minus strand). Cytogenetic location: 7q21.11.
Variant type: single nucleotide variant.
Coding change: c.538+94G>A on transcript NM_012301.4 (MANE Select); 94 bases into the intron after coding-DNA position 538, G replaced by A.
Molecular consequence: intron variant.
Genome position (GRCh38, 1-based): chr7:78,627,026, C>T on the plus strand (G>A on the coding strand, the complement: MAGI2 is on the minus strand). VCF-style: chr7-78627026-C-T. GRCh37 (hg19) VCF-style: chr7-78256342-C-T.
Other names: c.538+94G>A (NM_001301128.2).
Identifiers: ClinVar variation 1231876 (VCV001231876.6), dbSNP rs38116, ClinGen allele CA12513104.

ClinVar aggregate classification (germline): Benign. Review status: criteria provided, multiple submitters, no conflicts (2 of 4 stars). 3 submissions from 3 submitters: Benign (3). Last evaluated 2024-07-31.

Allele frequency attached by ClinVar (database versions not stated): 1000 Genomes Project 0.43910; 1000 Genomes Project 30x 0.44129; TOPMed 0.46927; gnomAD exomes 0.52614.
gnomAD v4.1: 673,459 of 1,297,174 alleles (52%); highest among the groups gnomAD compares: South Asian, 57%; 178,015 homozygotes.

Submissions (3):

Unidad de Genómica Garrahan, Hospital de Pediatría Garrahan
Classification: Benign. Last evaluated: 2024-07-31. Review status: criteria provided, single submitter. Criteria: ACMG Guidelines, 2015. Collection method: clinical testing. Allele origin: germline. Affected: no. Observed: 32 variant alleles.
Comment: This variant is classified as Benign based on local population frequency. This variant was detected in 34% of patients studied in a panel designed for Epileptic and Developmental Encephalopathy, Progressive Myoclonus Epilepsy and Abnormal Movements and Neurodegeneration with brain iron accumulation. Number of patients: 32. Only high quality variants are reported.

GeneDx
Classification: Benign. Last evaluated: 2019-08-20. Review status: criteria provided, single submitter. Criteria: GeneDx Variant Classification Process June 2021. Collection method: clinical testing. Allele origin: germline. Affected: yes.

Breakthrough Genomics
Classification: Benign. Review status: criteria provided, single submitter. Criteria: ACMG Guidelines, 2015. Collection method: not provided. Allele origin: germline. Inheritance: Autosomal recessive inheritance. Affected: yes.